The following is an entry in ClinVar:

ClinVar aggregate classification (germline): Pathogenic/Likely pathogenic. Review status: criteria provided, multiple submitters, no conflicts (2 of 4 stars). 2 submissions from 2 submitters: Pathogenic (1); Likely pathogenic (1). Last evaluated 2024-04-06.

Conditions:
Autosomal recessive polycystic kidney disease (ARPKD). Also called: AR polycystic kidney disease. Identifiers: Orphanet 731, Orphanet 8378, MedGen C0085548, MeSH D017044, MONDO:0009889.
Polycystic kidney disease 4 (PKD4). Also called: PKD3; Autosomal Recessive Polycystic Kidney Disease – PKHD1; POLYCYSTIC KIDNEY DISEASE 4 WITH OR WITHOUT POLYCYSTIC LIVER DISEASE; POLYCYSTIC KIDNEY AND HEPATIC DISEASE 1; POLYCYSTIC KIDNEY DISEASE, INFANTILE, TYPE I. Identifiers: MedGen C4540575, MONDO:0033004, OMIM 263200.

Submissions (2):

Fulgent Genetics
Classification: Likely pathogenic for Polycystic kidney disease 4. Last evaluated: 2024-04-06. Review status: criteria provided, single submitter. Criteria: ACMG Guidelines, 2015. Collection method: clinical testing. Allele origin: germline.

Labcorp Genetics (formerly Invitae), Labcorp
Classification: Pathogenic for Autosomal recessive polycystic kidney disease. Last evaluated: 2023-07-15. Review status: criteria provided, single submitter. Criteria: Invitae Variant Classification Sherloc (09022015). Collection method: clinical testing. Allele origin: germline.
Comment: For these reasons, this variant has been classified as Pathogenic. ClinVar contains an entry for this variant (Variation ID: 1408016). This variant has not been reported in the literature in individuals affected with PKHD1-related conditions. This variant is not present in population databases (gnomAD no frequency). This sequence change creates a premature translational stop signal (p.Val1606Serfs*9) in the PKHD1 gene. It is expected to result in an absent or disrupted protein product. Loss-of-function variants in PKHD1 are known to be pathogenic (PMID: 19940839).

Literature cited by the submitters: PubMed 19940839 (cited by Labcorp Genetics (formerly Invitae), Labcorp).

NM_138694.4(PKHD1):c.4816del (p.Val1606fs)

Genes: PKHD1 (PKHD1 ciliary IPT domain containing fibrocystin/polyductin; minus strand), LOC126859690 (MED14-independent group 3 enhancer GRCh37_chr6:51888848-51890047; plus strand). Cytogenetic location: 6p12.2.
Variant type: Deletion.
Coding change: c.4816del on transcript NM_138694.4 (MANE Select); coding-DNA position 4816, one base deleted (G; older notation c.4816delG).
Protein change: p.Val1606fs; shifts the reading frame from valine 1606.
Molecular consequence: frameshift variant.
Genome position (GRCh38, 1-based): chr6:52,024,994, C deleted on the plus strand (G on the coding strand, the reverse complement: PKHD1 is on the minus strand). VCF-style (leftmost placement, unchanged base first): chr6-52024993-AC-A. GRCh37 (hg19) VCF-style: chr6-51889791-AC-A.
Other names: c.4816del, p.Val1606fs (NM_170724.3); short protein forms V1606fs.
Identifiers: ClinVar variation 1408016 (VCV001408016.8), dbSNP rs2128142490, ClinGen allele CA2573140961.